The following is an entry in ClinVar:

NM_005573.4(LMNB1):c.124C>T (p.Arg42Trp)

Gene: LMNB1 (lamin B1; plus strand). Cytogenetic location: 5q23.2.
Variant type: single nucleotide variant.
Coding change: c.124C>T on transcript NM_005573.4 (MANE Select); coding-DNA position 124, C replaced by T.
Protein change: p.Arg42Trp; replaces arginine 42 with tryptophan.
Molecular consequence: missense variant. On other transcripts: non-coding transcript variant (1), intron variant (1).
Genome position (GRCh38, 1-based): chr5:126,777,632, C>T. VCF-style: chr5-126777632-C-T. GRCh37 (hg19) VCF-style: chr5-126113324-C-T.
Other names: c.-272+388C>T (NM_001198557.2); short protein forms R42W.
Identifiers: ClinVar variation 915456 (VCV000915456.6), dbSNP rs1245844735, ClinGen allele CA360724628.

ClinVar aggregate classification (germline): Pathogenic/Likely pathogenic. Review status: criteria provided, multiple submitters, no conflicts (2 of 4 stars). 5 submissions from 5 submitters: Pathogenic (2); Likely pathogenic (1). 2 of the submissions do not count toward it. Last evaluated 2026-04-22.

Conditions:
Microcephaly 26, primary, autosomal dominant. Identifiers: MedGen C5543048, MONDO:0030928, OMIM 619179.
Syndrome with microcephaly as major feature. Identifiers: Orphanet 269528, MedGen C5680774, MONDO:0017119.
Inborn genetic diseases. Identifiers: MedGen C0950123, MeSH D030342.

Submissions (5):

Ambry Genetics
Classification: Likely pathogenic for Inborn genetic diseases. Last evaluated: 2026-04-22. Review status: criteria provided, single submitter. Criteria: Ambry Variant Classification Scheme 2023. Collection method: clinical testing. Allele origin: germline.
Comment: The c.124C>T (p.R42W) alteration is located in exon 1 (coding exon 1) of the LMNB1 gene. This alteration results from a C to T substitution at nucleotide position 124, causing the arginine (R) at amino acid position 42 to be replaced by a tryptophan (W). for autosomal dominant LMNB1-related primary microcephaly; however, it is unlikely to be causative of autosomal dominant LMNB1-related adult onset leukodystrophy. This variant was not reported in population-based cohorts in the Genome Aggregation Database (gnomAD). This variant was determined to be de novo in at least one individual with features consistent with LMNB1-related primary microcephaly (Cristofoli, 2020). This amino acid position is well conserved in available vertebrate species. In an assay testing LMNB1 function, this variant showed a functionally abnormal result (Cristofoli, 2020). This alteration is predicted to be deleterious by in silico analysis. Based on the available evidence, this alteration is classified as likely pathogenic.

GeneDx
Classification: Pathogenic. Last evaluated: 2023-03-03. Review status: criteria provided, single submitter. Criteria: GeneDx Variant Classification Process June 2021. Collection method: clinical testing. Allele origin: germline. Affected: yes.
Comment: Published functional studies demonstrate a damaging effect (disrupts nuclear lamina resulting in irregular nuclear structure) (Cristofoli et al., 2020); In silico analysis supports that this missense variant has a deleterious effect on protein structure/function; Not observed at significant frequency in large population cohorts (gnomAD); This variant is associated with the following publications: (PMID: 32910914, 27535533)

Provincial Medical Genetics Program of British Columbia, University of British Columbia
Classification: Pathogenic for Microcephaly 26, primary, autosomal dominant. Last evaluated: 2022-01-01. Review status: criteria provided, single submitter. Criteria: ACMG Guidelines, 2015. Collection method: clinical testing. Allele origin: de novo. Affected: yes.

OMIM
Classification: Pathogenic for MICROCEPHALY 26, PRIMARY, AUTOSOMAL DOMINANT. Last evaluated: 2021-02-19. Review status: no assertion criteria provided. Collection method: literature only. Allele origin: germline. Not counted in ClinVar's aggregate classification.

Center for Human Genetics, University of Leuven
Classification: Pathogenic for Syndrome with microcephaly as major feature. Last evaluated: 2020-02-20. Review status: no assertion criteria provided. Collection method: clinical testing. Allele origin: de novo. Inheritance: Autosomal dominant inheritance. Affected: yes. Not counted in ClinVar's aggregate classification.
Comment: We performed segregation analysis, Western blot, and several functional in vitro studies that support a clear pathogenic effect

Literature cited by the submitters: PubMed 32910914 (cited by Ambry Genetics and OMIM).